The following is an entry in ClinVar:

NM_002439.5(MSH3):c.1022del (p.Gly341fs)

Genes: MSH3 (mutS homolog 3; plus strand), LOC126807437 (MED14-independent group 3 enhancer GRCh37_chr5:79968379-79969578; plus strand). Cytogenetic location: 5q14.1.
Variant type: Deletion.
Coding change: c.1022del on transcript NM_002439.5 (MANE Select); coding-DNA position 1022, one base deleted (G; older notation c.1022delG).
Protein change: p.Gly341fs; shifts the reading frame from glycine 341.
Molecular consequence: frameshift variant.
Genome position (GRCh38, 1-based): chr5:80,672,853, G deleted; the last of 2 consecutive G bases (chr5:80,672,852-80,672,853); deleting either gives the same sequence. VCF-style (leftmost placement, unchanged base first): chr5-80672851-TG-T. GRCh37 (hg19) VCF-style: chr5-79968670-TG-T.
Other names: short protein forms G341fs.
Identifiers: ClinVar variation 1376058 (VCV001376058.7), dbSNP rs2112814387, ClinGen allele CA2573139902.

ClinVar aggregate classification (germline): Pathogenic/Likely pathogenic. Review status: criteria provided, multiple submitters, no conflicts (2 of 4 stars). 2 submissions from 2 submitters: Pathogenic (1); Likely pathogenic (1). Last evaluated 2023-12-28.

Conditions:
Familial adenomatous polyposis 4 (FAP4). Also called: MSH3-related attenuated familial adenomatous polyposis. Identifiers: Orphanet 480536, MedGen C4310719, MONDO:0044300, OMIM 617100.
Endometrial carcinoma. Also called: Endometrial carcinoma, somatic. Identifiers: MedGen C0476089, MONDO:0002447, OMIM 608089, HP:0012114.

Submissions (2):

Fulgent Genetics
Classification: Likely pathogenic for Endometrial carcinoma; Familial adenomatous polyposis 4. Last evaluated: 2023-12-28. Review status: criteria provided, single submitter. Criteria: ACMG Guidelines, 2015. Collection method: clinical testing. Allele origin: germline.

Labcorp Genetics (formerly Invitae), Labcorp
Classification: Pathogenic. Last evaluated: 2021-03-27. Review status: criteria provided, single submitter. Criteria: Invitae Variant Classification Sherloc (09022015). Collection method: clinical testing. Allele origin: germline.
Comment: For these reasons, this variant has been classified as Pathogenic. This variant has not been reported in the literature in individuals with MSH3-related conditions. This variant is not present in population databases (ExAC no frequency). This sequence change creates a premature translational stop signal (p.Gly341Glufs*4) in the MSH3 gene. It is expected to result in an absent or disrupted protein product. Loss-of-function variants in MSH3 are known to be pathogenic (PMID: 27476653).

Literature cited by the submitters: PubMed 27476653 (cited by Labcorp Genetics (formerly Invitae), Labcorp).